The following is an entry in ClinVar:

NM_001042492.3(NF1):c.3347_3350del (p.Asp1116fs)

Gene: NF1 (neurofibromin 1; plus strand). Cytogenetic location: 17q11.2.
Variant type: Deletion.
Coding change: c.3347_3350del on transcript NM_001042492.3 (MANE Select); coding-DNA positions 3347 to 3350, 4 bases deleted (ACTG; older notation c.3347_3350delACTG).
Protein change: p.Asp1116fs; shifts the reading frame from aspartic acid 1116.
Molecular consequence: frameshift variant.
Genome position (GRCh38, 1-based): chr17:31,232,732-31,232,735, ACTG deleted; deleting any 4 consecutive bases within chr17:31,232,730-31,232,735 gives the same sequence; the c. name uses the placement nearest the transcript's 3' end. VCF-style (leftmost placement, unchanged base first): chr17-31232729-ATGAC-A. GRCh37 (hg19) VCF-style: chr17-29559747-ATGAC-A.
Other names: c.3347_3350delACTG (NM_000267.3, NM_001042492.3); c.3347_3350delACTG, p.Asp1116Alafs (NM_000267.4); short protein forms D1116fs.
Identifiers: ClinVar variation 996375 (VCV000996375.11), dbSNP rs2067134697, ClinGen allele CA658761062.

ClinVar aggregate classification (germline): Pathogenic. Review status: criteria provided, multiple submitters, no conflicts (2 of 4 stars). 6 submissions from 6 submitters: Pathogenic (5). 1 of the submissions does not count toward it. Last evaluated 2026-08-01.

Conditions:
Neurofibromatosis, type 1 (NF1). Also called: VON RECKLINGHAUSEN DISEASE; Neurofibromatosis, type I; NEUROFIBROMATOSIS, TYPE I, SOMATIC; Peripheral type neurofibromatosis. Identifiers: Orphanet 636, MedGen C0027831, MONDO:0018975, OMIM 162200. Disease mechanism: loss of function.

Submissions (6):

CeGaT Center for Human Genetics Tuebingen
Classification: Pathogenic. Last evaluated: 2026-08-01. Review status: criteria provided, single submitter. Criteria: CeGaT Center For Human Genetics Tuebingen Variant Classification Criteria Version 2. Collection method: clinical testing. Allele origin: germline. Affected: yes. Observed: 1 variant allele.
Comment: NF1: PVS1, PM2, PS2:Moderate, PS4:Moderate

GeneDx
Classification: Pathogenic. Last evaluated: 2024-03-11. Review status: criteria provided, single submitter. Criteria: GeneDx Variant Classification Process June 2021. Collection method: clinical testing. Allele origin: germline.
Comment: Frameshift variant predicted to result in protein truncation or nonsense mediated decay in a gene for which loss of function is a known mechanism of disease; Not observed at significant frequency in large population cohorts (gnomAD); This variant is associated with the following publications: (PMID: 31370276, 23913538, 37272364)

Labcorp Genetics (formerly Invitae), Labcorp
Classification: Pathogenic for Neurofibromatosis, type 1. Last evaluated: 2023-08-16. Review status: criteria provided, single submitter. Criteria: Invitae Variant Classification Sherloc (09022015). Collection method: clinical testing. Allele origin: germline.
Comment: For these reasons, this variant has been classified as Pathogenic. ClinVar contains an entry for this variant (Variation ID: 996375). This premature translational stop signal has been observed in individual(s) with clinical features of neurofibromatosis type 1 (PMID: 23913538). This variant is not present in population databases (gnomAD no frequency). This sequence change creates a premature translational stop signal (p.Asp1116Alafs*25) in the NF1 gene. It is expected to result in an absent or disrupted protein product. Loss-of-function variants in NF1 are known to be pathogenic (PMID: 10712197, 23913538).

Human Genetics Bochum, Ruhr University Bochum
Classification: Pathogenic for Neurofibromatosis, type 1. Last evaluated: 2021-12-06. Review status: criteria provided, single submitter. Criteria: ACMG Guidelines, 2015. Collection method: clinical testing. Allele origin: germline. Affected: yes.
Comment: ACMG criteria used to clasify this variant: PVS1, PM4, PM2

Genome Diagnostics Laboratory, The Hospital for Sick Children
Classification: Pathogenic for Neurofibromatosis, type 1. Last evaluated: 2020-10-26. Review status: criteria provided, single submitter. Criteria: ACMG Guidelines, 2015. Collection method: clinical testing. Allele origin: germline. Affected: yes.

Laboratory of Medical Genetics, National & Kapodistrian University of Athens
Classification: Pathogenic for Neurofibromatosis, type 1. Last evaluated: 2020-01-01. Review status: no assertion criteria provided. Collection method: clinical testing. Allele origin: germline. Affected: yes. Not counted in ClinVar's aggregate classification.

Literature cited by the submitters: PubMed 23913538 (cited by Labcorp Genetics (formerly Invitae), Labcorp); PubMed 10712197 (cited by Labcorp Genetics (formerly Invitae), Labcorp).